The following is an entry in ClinVar:

ClinVar aggregate classification (germline): Uncertain significance (1 of 4 stars; one submission).

Allele frequency attached by ClinVar (database versions not stated): gnomAD exomes below 0.00001.
gnomAD v4.1: 3 of 1,548,636 alleles (0.00019%); highest among the groups gnomAD compares: South Asian, 0.0024%; no homozygotes.

Submission:

GeneDx
Classification: Uncertain significance. Last evaluated: 2017-08-02. Review status: criteria provided, single submitter. Criteria: GeneDx Variant Classification (06012015). Collection method: clinical testing. Allele origin: germline. Affected: yes.
Comment: The V1733I variant in the MYO7A gene has not been reported previously as a pathogenic variant, nor as a benign variant, to our knowledge. The V1733I variant is not observed in large population cohorts (Lek et al., 2016; 1000 Genomes Consortium et al., 2015; Exome Variant Server). The V1733I variant is a conservative amino acid substitution, which is not likely to impact secondary protein structure as these residues share similar properties. This substitution occurs at a position that is conserved across species. In silico analysis is inconsistent in its predictions as to whether or not the variant is damaging to the protein structure/function. We interpret V1733I as a variant of uncertain significance.

NM_000260.4(MYO7A):c.5197G>A (p.Val1733Ile)

Gene: MYO7A (myosin VIIA; plus strand). Cytogenetic location: 11q13.5.
Variant type: single nucleotide variant.
Coding change: c.5197G>A on transcript NM_000260.4 (MANE Select); coding-DNA position 5197, G replaced by A.
Protein change: p.Val1733Ile; replaces valine 1733 with isoleucine.
Molecular consequence: missense variant.
Genome position (GRCh38, 1-based): chr11:77,203,088, G>A. VCF-style: chr11-77203088-G-A. GRCh37 (hg19) VCF-style: chr11-76914133-G-A.
Other names: c.5083G>A, p.Val1695Ile (NM_001127180.2); c.5050G>A, p.Val1684Ile (NM_001369365.1); short protein forms V1733I, V1695I, V1684I.
Identifiers: ClinVar variation 450924 (VCV000450924.2), dbSNP rs1555103433, ClinGen allele CA381952058.